The following is an entry in ClinVar:

NM_000540.3(RYR1):c.9382A>C (p.Asn3128His)

Gene: RYR1 (ryanodine receptor 1; plus strand). Cytogenetic location: 19q13.2.
Variant type: single nucleotide variant.
Coding change: c.9382A>C on transcript NM_000540.3 (MANE Select); coding-DNA position 9382, A replaced by C.
Protein change: p.Asn3128His; replaces asparagine 3128 with histidine.
Molecular consequence: missense variant.
Genome position (GRCh38, 1-based): chr19:38,512,393, A>C. VCF-style: chr19-38512393-A-C. GRCh37 (hg19) VCF-style: chr19-39003033-A-C.
Other names: c.9382A>C, p.Asn3128His (NM_001042723.2); short protein forms N3128H.
Identifiers: ClinVar variation 3072280 (VCV003072280.1), dbSNP rs2514406678, ClinGen allele CA405687266.

ClinVar aggregate classification (germline): Uncertain significance (1 of 4 stars; one submission).

Conditions:
Malignant hyperthermia, susceptibility to, 1 (MHS1). Also called: Anesthesia related hyperthermia; Malignant hyperpyrexia; Fulminating hyperpyrexia; Pharmacogenic myopathy; RYR1-Related Malignant Hyperthermia Susceptibility; Malignant hyperthermia suceptibility 1. Identifiers: Orphanet 423, MedGen C2930980, MONDO:0007783, OMIM 145600.

Submission:

All of Us Research Program, National Institutes of Health
Classification: Uncertain significance for Malignant hyperthermia, susceptibility to, 1. Last evaluated: 2023-08-15. Review status: criteria provided, single submitter. Criteria: ACMG Guidelines, 2015. Collection method: clinical testing. Allele origin: germline. Inheritance: Autosomal dominant inheritance. Observed: 1 variant allele, 1 heterozygote.
Comment: This study involves interpretation of variants in research participants for the purpose of population health screening. Participant phenotype was not available at the time of variant classification. Additional details can be found in publication PMID: 35346344, PMCID: PMC8962531